The following is an entry in ClinVar:

NM_002599.5(PDE2A):c.102C>G (p.Asp34Glu)

Gene: PDE2A (phosphodiesterase 2A; minus strand). Cytogenetic location: 11q13.4.
Variant type: single nucleotide variant.
Coding change: c.102C>G on transcript NM_002599.5 (MANE Select); coding-DNA position 102, C replaced by G.
Protein change: p.Asp34Glu; replaces aspartic acid 34 with glutamic acid.
Molecular consequence: missense variant. On other transcripts: 5 prime UTR variant (1).
Genome position (GRCh38, 1-based): chr11:72,642,296, G>C on the plus strand (C>G on the coding strand, the complement: PDE2A is on the minus strand). VCF-style: chr11-72642296-G-C. GRCh37 (hg19) VCF-style: chr11-72353340-G-C.
Other names: c.81C>G, p.Asp27Glu (NM_001143839.4); c.75C>G, p.Asp25Glu (NM_001146209.3); c.-24C>G (NM_001243784.2); short protein forms D34E, D25E, D27E.
Identifiers: ClinVar variation 4627178 (VCV004627178.2).

ClinVar aggregate classification (germline): Uncertain significance. Review status: criteria provided, multiple submitters, no conflicts (2 of 4 stars). 2 submissions from 2 submitters: Uncertain significance (2). Last evaluated 2025-11-23.

Conditions:
Inborn genetic diseases. Identifiers: MedGen C0950123, MeSH D030342.

gnomAD v4.1: 4 of 1,526,218 alleles (0.00026%); highest among the groups gnomAD compares: East Asian, 0.011%; no homozygotes.

Submissions (2):

Ambry Genetics
Classification: Uncertain significance for Inborn genetic diseases. Last evaluated: 2025-11-23. Review status: criteria provided, single submitter. Criteria: Ambry Variant Classification Scheme 2023. Collection method: clinical testing. Allele origin: germline.

GeneDx
Classification: Uncertain significance. Last evaluated: 2025-07-31. Review status: criteria provided, single submitter. Criteria: GeneDx Variant Classification Process June 2021. Collection method: clinical testing. Allele origin: germline. Affected: yes.
Comment: Not observed at significant frequency in large population cohorts (gnomAD); In silico analysis suggests that this missense variant does not alter protein structure/function; Has not been previously published as pathogenic or benign to our knowledge